The following is an entry in ClinVar:

NM_003737.4(DCHS1):c.9579del (p.Pro3195fs)

Gene: DCHS1 (dachsous cadherin-related 1; minus strand). Cytogenetic location: 11p15.4.
Variant type: Deletion.
Coding change: c.9579del on transcript NM_003737.4 (MANE Select); coding-DNA position 9579, one base deleted (T; older notation c.9579delT).
Protein change: p.Pro3195fs; shifts the reading frame from proline 3195.
Molecular consequence: frameshift variant.
Genome position (GRCh38, 1-based): chr11:6,622,097, A deleted on the plus strand (T on the coding strand, the reverse complement: DCHS1 is on the minus strand). VCF-style (leftmost placement, unchanged base first): chr11-6622096-GA-G. GRCh37 (hg19) VCF-style: chr11-6643327-GA-G.
Other names: short protein forms P3195fs.
Identifiers: ClinVar variation 1510447 (VCV001510447.6), dbSNP rs2134606237, ClinGen allele CA2573147078.

ClinVar aggregate classification (germline): Uncertain significance (1 of 4 stars; one submission).

Submission:

Labcorp Genetics (formerly Invitae), Labcorp
Classification: Uncertain significance. Last evaluated: 2024-04-25. Review status: criteria provided, single submitter. Criteria: Invitae Variant Classification Sherloc (09022015). Collection method: clinical testing. Allele origin: germline.
Comment: This sequence change results in a frameshift in the DCHS1 gene (p.Pro3195Glnfs*200). While this is not anticipated to result in nonsense mediated decay, it is expected to disrupt the last 104 amino acid(s) of the DCHS1 protein and extend the protein by 95 additional amino acid residues. This variant is not present in population databases (gnomAD no frequency). This variant has not been reported in the literature in individuals affected with DCHS1-related conditions. ClinVar contains an entry for this variant (Variation ID: 1510447). Experimental studies and prediction algorithms are not available or were not evaluated, and the functional significance of this variant is currently unknown. In summary, the available evidence is currently insufficient to determine the role of this variant in disease. Therefore, it has been classified as a Variant of Uncertain Significance.